The following is an entry in ClinVar:

ClinVar aggregate classification (germline): Uncertain significance. Review status: criteria provided, multiple submitters, no conflicts (2 of 4 stars). 2 submissions from 2 submitters: Uncertain significance (2). Last evaluated 2024-10-23.

Conditions:
Inborn genetic diseases. Identifiers: MedGen C0950123, MeSH D030342.

Allele frequency attached by ClinVar (database versions not stated): ExAC below 0.00001; gnomAD exomes 0.00001; TOPMed 0.00001.

Submissions (2):

Labcorp Genetics (formerly Invitae), Labcorp
Classification: Uncertain significance. Last evaluated: 2024-10-23. Review status: criteria provided, single submitter. Criteria: Invitae Variant Classification Sherloc (09022015). Collection method: clinical testing. Allele origin: germline.
Comment: This sequence change replaces alanine, which is neutral and non-polar, with serine, which is neutral and polar, at codon 1142 of the CACNA1F protein (p.Ala1142Ser). This variant is not present in population databases (gnomAD no frequency). This variant has not been reported in the literature in individuals affected with CACNA1F-related conditions. ClinVar contains an entry for this variant (Variation ID: 961115). Invitae Evidence Modeling of protein sequence and biophysical properties (such as structural, functional, and spatial information, amino acid conservation, physicochemical variation, residue mobility, and thermodynamic stability) indicates that this missense variant is not expected to disrupt CACNA1F protein function with a negative predictive value of 80%. In summary, the available evidence is currently insufficient to determine the role of this variant in disease. Therefore, it has been classified as a Variant of Uncertain Significance.

Ambry Genetics
Classification: Uncertain significance for Inborn genetic diseases. Last evaluated: 2023-03-20. Review status: criteria provided, single submitter. Criteria: Ambry Variant Classification Scheme 2023. Collection method: clinical testing. Allele origin: germline.

NM_001256789.3(CACNA1F):c.3391G>T (p.Ala1131Ser)

Gene: CACNA1F (calcium voltage-gated channel subunit alpha1 F; minus strand). Cytogenetic location: Xp11.23.
Variant type: single nucleotide variant.
Coding change: c.3391G>T on transcript NM_001256789.3 (MANE Select); coding-DNA position 3391, G replaced by T.
Protein change: p.Ala1131Ser; replaces alanine 1131 with serine.
Molecular consequence: missense variant.
Genome position (GRCh38, 1-based): chrX:49,215,389, C>A on the plus strand (G>T on the coding strand, the complement: CACNA1F is on the minus strand). VCF-style: chrX-49215389-C-A. GRCh37 (hg19) VCF-style: chrX-49071849-C-A.
Other names: c.3229G>T, p.Ala1077Ser (NM_001256790.3); c.3424G>T, p.Ala1142Ser (NM_005183.4); c.3424G>T (NM_005183.2); short protein forms A1142S, A1077S, A1131S.
Identifiers: ClinVar variation 961115 (VCV000961115.11), dbSNP rs782258468, ClinGen allele CA10410465.
Genomic context (GRCh38, chrX:49,215,389, plus strand): 5'-GGTCAGAGGTCACCTGGTTCTTGTCCAGCTCACAGTTTTGGTACTCCTGCTCGCCCTGGG[C>A]ACGGAAAGTGATGATGACGAAGCCCACGAAGATGTTCATCATGAAGAACGCAATGATGAT-3'
Protein context (NP_001243718.1, residues 1121-1141): FVGFVIITFR[Ala1131Ser]QGEQEYQNCE